The following is an entry in ClinVar:

ClinVar aggregate classification (germline): Uncertain significance. Review status: criteria provided, multiple submitters, no conflicts (2 of 4 stars). 3 submissions from 3 submitters: Uncertain significance (3). Last evaluated 2025-01-16.

Conditions:
Arrhythmogenic right ventricular cardiomyopathy (ARVD). Also called: Arrhythmogenic cardiomyopathy; Cardiomyopathy, ARVC; Arrhythmogenic right ventricular dysplasia; Arrhythmogenic Right Ventricular Cardiomyopathy (ARVC). Identifiers: Orphanet 247, MedGen C0349788, MeSH D019571, MONDO:0016587. Disease mechanism: loss of function. Inheritance: Various modes of inheritance.
Cardiomyopathy (CMYO). Also called: Cardiomyopathies. Identifiers: Orphanet 167848, MedGen C0878544, MONDO:0004994, HP:0001638. Inheritance: Various modes of inheritance.
Arrhythmogenic right ventricular dysplasia 9 (ARVD9). Also called: Arrhythmogenic Right Ventricular Dysplasia/Cardiomyopathy 9; ARRHYTHMOGENIC RIGHT VENTRICULAR DYSPLASIA, FAMILIAL, 9. Identifiers: MedGen C1836906, MONDO:0012180, OMIM 609040.

Allele frequency attached by ClinVar (database versions not stated): ExAC 0.00001; gnomAD exomes 0.00001.
gnomAD v4.1: 7 of 1,613,016 alleles (0.00043%); highest among the groups gnomAD compares: Non-Finnish European, 0.00059%; no homozygotes.

Submissions (3):

Labcorp Genetics (formerly Invitae), Labcorp
Classification: Uncertain significance for Arrhythmogenic right ventricular dysplasia 9. Last evaluated: 2025-01-16. Review status: criteria provided, single submitter. Criteria: Invitae Variant Classification Sherloc (09022015). Collection method: clinical testing. Allele origin: germline.
Comment: This sequence change replaces glutamine, which is neutral and polar, with proline, which is neutral and non-polar, at codon 181 of the PKP2 protein (p.Gln181Pro). This variant is present in population databases (rs767358039, gnomAD 0.002%). This variant has not been reported in the literature in individuals affected with PKP2-related conditions. ClinVar contains an entry for this variant (Variation ID: 923033). An algorithm developed to predict the effect of missense changes on protein structure and function outputs the following: PolyPhen-2: "Benign". The proline amino acid residue is found in multiple mammalian species, which suggests that this missense change does not adversely affect protein function. In summary, the available evidence is currently insufficient to determine the role of this variant in disease. Therefore, it has been classified as a Variant of Uncertain Significance.

Color Diagnostics, LLC DBA Color Health
Classification: Uncertain significance for Cardiomyopathy. Last evaluated: 2024-03-06. Review status: criteria provided, single submitter. Criteria: ACMG Guidelines, 2015. Collection method: clinical testing. Allele origin: germline.
Comment: This missense variant replaces glutamine with proline at codon 181 of the PKP2 protein. Computational prediction suggests that this variant may not impact protein structure and function (internally defined REVEL score threshold <= 0.5, PMID: 27666373). To our knowledge, functional studies have not been reported for this variant. This variant has not been reported in individuals affected with PKP2-related disorders in the literature. This variant has been identified in 2/250674 chromosomes in the general population by the Genome Aggregation Database (gnomAD). The available evidence is insufficient to determine the role of this variant in disease conclusively. Therefore, this variant is classified as a Variant of Uncertain Significance.

All of Us Research Program, National Institutes of Health
Classification: Uncertain significance for Arrhythmogenic right ventricular cardiomyopathy. Last evaluated: 2023-04-10. Review status: criteria provided, single submitter. Criteria: ACMG Guidelines, 2015. Collection method: clinical testing. Allele origin: germline. Inheritance: Autosomal dominant inheritance. Observed: 1 variant allele, 1 heterozygote.
Comment: This missense variant replaces glutamine with proline at codon 181 of the PKP2 protein. Computational prediction tool suggests that this variant may not impact protein structure and function (internally defined REVEL score threshold <=0.5, PMID: 27666373). Splice site prediction tools suggest that this variant may not impact RNA splicing. To our knowledge, functional studies have not been performed for this variant. This variant has not been reported in individuals affected with cardiovascular disorders in the literature. This variant has been identified in 2/250674 chromosomes in the general population by the Genome Aggregation Database (gnomAD). The available evidence is insufficient to determine the role of this variant in disease conclusively. Therefore, this variant is classified as a Variant of Uncertain Significance.

This study involves interpretation of variants in research participants for the purpose of population health screening. Participant phenotype was not available at the time of variant classification. Additional details can be found in publication PMID: 35346344, PMCID: PMC8962531

NM_001005242.3(PKP2):c.542A>C (p.Gln181Pro)

Gene: PKP2 (plakophilin 2; minus strand). Cytogenetic location: 12p11.21.
Variant type: single nucleotide variant.
Coding change: c.542A>C on transcript NM_001005242.3 (MANE Select); coding-DNA position 542, A replaced by C.
Protein change: p.Gln181Pro; replaces glutamine 181 with proline.
Molecular consequence: missense variant.
Genome position (GRCh38, 1-based): chr12:32,878,338, T>G on the plus strand (A>C on the coding strand, the complement: PKP2 is on the minus strand). VCF-style: chr12-32878338-T-G. GRCh37 (hg19) VCF-style: chr12-33031272-T-G.
Other names: c.542A>C, p.Gln181Pro (NM_004572.4); short protein forms Q181P.
Identifiers: ClinVar variation 923033 (VCV000923033.7), dbSNP rs767358039, ClinGen allele CA037852.